The following is an entry in ClinVar:

NC_000016.10:g.56988660G>A

Gene: NLRC5 (NLR family CARD domain containing 5; plus strand). Cytogenetic location: 16q13.
Variant type: single nucleotide variant.
Genome position: GRCh38 VCF-style: chr16-56988660-G-A. GRCh37 (hg19) VCF-style: chr16-57022572-G-A.
Identifiers: ClinVar variation 102974 (VCV000102974.2), dbSNP rs199475960, ClinGen allele CA229940.
Genomic context (GRCh38, chr16:56,988,660, plus strand): 5'-CTACCTTGCAGCGTCCTCACCCACACCCACCCCAGGCCTGGGAGGCAGGGGAGCACCAGC[G>A]GTCTGGGAGTGAAAGTTGCTTCCCTGTGGGATGTCTGGGAGGTGGGTAGAAGGCCTTCCT-3'

ClinVar aggregate classification (germline): not provided (0 of 4 stars; one submission).

Allele frequency attached by ClinVar (database versions not stated): TOPMed 0.00026; 1000 Genomes Project 0.00060; 1000 Genomes Project 30x 0.00078.

Submission:

Human Evolutionary Genetics, Institut Pasteur
No classification provided. Review status: no classification provided. Collection method: not provided. Allele origin: germline.
ClinVar note: Converted during submission from untested to not provided.